The following is an entry in ClinVar:

ClinVar aggregate classification (germline): Uncertain significance (1 of 4 stars; one submission).

Allele frequency attached by ClinVar (database versions not stated): gnomAD exomes below 0.00001.
gnomAD v4.1: 1 of 1,613,994 alleles (0.000062%); highest among the groups gnomAD compares: Non-Finnish European, 0.000085%; no homozygotes.

Submission:

Ambry Genetics
Classification: Uncertain significance. Last evaluated: 2021-11-02. Review status: criteria provided, single submitter. Criteria: Ambry Variant Classification Scheme 2023. Collection method: clinical testing. Allele origin: germline.
Comment: The p.S3821F variant (also known as c.11462C>T), located in coding exon 80 of the PRKDC gene, results from a C to T substitution at nucleotide position 11462. The serine at codon 3821 is replaced by phenylalanine, an amino acid with highly dissimilar properties. This amino acid position is conserved. Since supporting evidence is limited at this time, the clinical significance of this alteration remains unclear.

NM_006904.7(PRKDC):c.11462C>T (p.Ser3821Phe)

Gene: PRKDC (protein kinase, DNA-activated, catalytic subunit; minus strand). Cytogenetic location: 8q11.21.
Variant type: single nucleotide variant.
Coding change: c.11462C>T on transcript NM_006904.7 (MANE Select); coding-DNA position 11462, C replaced by T.
Protein change: p.Ser3821Phe; replaces serine 3821 with phenylalanine.
Molecular consequence: missense variant. On other transcripts: intron variant (1).
Genome position (GRCh38, 1-based): chr8:47,782,189, G>A on the plus strand (C>T on the coding strand, the complement: PRKDC is on the minus strand). VCF-style: chr8-47782189-G-A. GRCh37 (hg19) VCF-style: chr8-48694750-G-A.
Other names: c.11396+189C>T (NM_001081640.2); short protein forms S3821F.
Identifiers: ClinVar variation 1732453 (VCV001732453.2), dbSNP rs1389195486, ClinGen allele CA371129532.